The following is an entry in ClinVar:

ClinVar aggregate classification (germline): Uncertain significance (1 of 4 stars; one submission).

Submission:

Women's Health and Genetics/Laboratory Corporation of America, LabCorp
Classification: Uncertain significance. Last evaluated: 2026-01-09. Review status: criteria provided, single submitter. Criteria: LabCorp Variant Classification Summary - May 2015. Collection method: clinical testing. Allele origin: germline.
Comment: Variant summary: COL17A1 c.2995G>A (p.Gly999Arg) results in a non-conservative amino acid change in the encoded protein sequence. Algorithms developed to predict the effect of missense changes on protein structure and function all suggest that this variant is likely to be disruptive. The variant was absent in 249150 control chromosomes. The available data on variant occurrences in the general population are insufficient to allow any conclusion about variant significance. c.2995G>A has been observed in at least one compound heterozygous individual affected with Epidermolysis Bullosa, Junctional 4, Intermediate (e.g. Kumar_2025). These data do not allow any conclusion about variant significance. To our knowledge, no experimental evidence demonstrating an impact on protein function has been reported. The following publication has been ascertained in the context of this evaluation (PMID: 39141798). No submitters have cited clinical-significance assessments for this variant to ClinVar. Based on the evidence outlined above, the variant was classified as uncertain significance.

Literature cited by the submitters: PubMed 39141798.

NM_000494.4(COL17A1):c.2995G>A (p.Gly999Arg)

Gene: COL17A1 (collagen type XVII alpha 1 chain; minus strand). Cytogenetic location: 10q25.1.
Variant type: single nucleotide variant.
Coding change: c.2995G>A on transcript NM_000494.4 (MANE Select); coding-DNA position 2995, G replaced by A.
Protein change: p.Gly999Arg; replaces glycine 999 with arginine.
Molecular consequence: missense variant.
Genome position (GRCh38, 1-based): chr10:104,038,481, C>T on the plus strand (G>A on the coding strand, the complement: COL17A1 is on the minus strand). VCF-style: chr10-104038481-C-T. GRCh37 (hg19) VCF-style: chr10-105798239-C-T.
Other names: short protein forms G999R.
Identifiers: ClinVar variation 4689508 (VCV004689508.1).
Genomic context (GRCh38, chr10:104,038,481, plus strand): 5'-AGATGTACTGCTGAATCTCCTGGCCAGAGCTGCTGATAGAGCCCGGAGGCCCAGGGGGCC[C>T]AGGGGGCCCTGGCGGGCCTGACACGTACATGGTACTTGATGATCCCCCTGCAGCAAAGAG-3'
Protein context (NP_000485.3, residues 989-1009): MYVSGPPGPP[Gly999Arg]PPGPPGSISS